The following is an entry in ClinVar:

NM_000169.3(GLA):c.374A>C (p.His125Pro)

Genes: GLA (galactosidase alpha; minus strand), RPL36A-HNRNPH2 (RPL36A-HNRNPH2 readthrough; plus strand). Cytogenetic location: Xq22.1.
Variant type: single nucleotide variant.
Coding change: c.374A>C on transcript NM_000169.3 (MANE Select); coding-DNA position 374, A replaced by C.
Protein change: p.His125Pro; replaces histidine 125 with proline.
Molecular consequence: missense variant. On other transcripts: non-coding transcript variant (3), intron variant (2).
Genome position (GRCh38, 1-based): chrX:101,401,805, T>G on the plus strand (A>C on the coding strand, the complement: GLA is on the minus strand). VCF-style: chrX-101401805-T-G. GRCh37 (hg19) VCF-style: chrX-100656793-T-G.
Other names: c.497A>C, p.His166Pro (NM_001406747.1, NM_001406749.1); c.374A>C, p.His125Pro (NM_001406748.1); c.300+6348T>G (NM_001199973.2); c.177+9983T>G (NM_001199974.2); short protein forms H125P, H166P.
Identifiers: ClinVar variation 4087350 (VCV004087350.2).
Genomic context (GRCh38, chrX:101,401,805, plus strand): 5'-AAGCCTGCGCAGGTTTTATTTCCAACATCTGCATAAATCCCTAGCTTCAGTCCTTTGCTG[T>G]GAACCTGAAATGAGAGGGAGGAAAAGAGTCACCATTGTAGAAGCACAATCGTGAGGTAGC-3'
Protein context (NP_000160.1, residues 115-135): HGIRQLANYV[His125Pro]SKGLKLGIYA

ClinVar aggregate classification (germline): Likely pathogenic (1 of 4 stars; one submission).

Conditions:
Fabry disease. Also called: ALPHA-GALACTOSIDASE A DEFICIENCY; ANDERSON-FABRY DISEASE; CERAMIDE TRIHEXOSIDASE DEFICIENCY; GLA DEFICIENCY; HEREDITARY DYSTOPIC LIPIDOSIS; Angiokeratoma corporis diffusum. Identifiers: Orphanet 324, MedGen C0002986, MONDO:0010526, OMIM 301500, HP:0001071. Disease mechanism: Fabry disease is due to inactivating mutations in the X-linked GLA gene resulting in deficiency of the enzyme Alpha Galactosidase-A., loss of function.

Submission:

Genomenon, Inc
Classification: Likely pathogenic for Fabry disease. Last evaluated: 2026-09-08. Review status: criteria provided, single submitter. Criteria: Genomenon Sequence Variant Interpretation Standards - Updated. Collection method: curation. Allele origin: germline. Affected: yes.
Comment: GLA p.His125Pro (c.374A>C) is a missense variant that changes the amino acid at codon 125 from Histidine to Proline. This variant has been observed in at least one proband with clinical features consistent with Fabry disease (PMID:20022777). At least one functional study has demonstrated a substantial alteration in protein function relative to the wild-type (PMID:32023956;27657681). It is absent or not present at a significant frequency in gnomAD. In silico models predict that this variant is possibly or probably damaging. In conclusion, we classify GLA p.His125Pro (c.374A>C) as a likely pathogenic variant.

Literature cited by the submitters: PubMed 20022777; PubMed 32023956; PubMed 27657681.